The following is an entry in ClinVar:

NM_002692.4(POLE2):c.1555G>A (p.Val519Ile)

Gene: POLE2 (DNA polymerase epsilon 2, accessory subunit; minus strand). Cytogenetic location: 14q21.3.
Variant type: single nucleotide variant.
Coding change: c.1555G>A on transcript NM_002692.4 (MANE Select); coding-DNA position 1555, G replaced by A.
Protein change: p.Val519Ile; replaces valine 519 with isoleucine.
Molecular consequence: missense variant.
Genome position (GRCh38, 1-based): chr14:49,647,303, C>T on the plus strand (G>A on the coding strand, the complement: POLE2 is on the minus strand). VCF-style: chr14-49647303-C-T. GRCh37 (hg19) VCF-style: chr14-50114021-C-T.
Other names: c.1477G>A, p.Val493Ile (NM_001197330.2); c.1552G>A, p.Val518Ile (NM_001348384.2); c.1324G>A, p.Val442Ile (NM_001348385.2); short protein forms V493I, V442I, V518I, V519I.
Identifiers: ClinVar variation 4749515 (VCV004749515.1).

ClinVar aggregate classification (germline): Uncertain significance (1 of 4 stars; one submission).

gnomAD v4.1: 1 of 1,539,650 alleles (0.000065%); highest among the groups gnomAD compares: Admixed American, 0.0018%; no homozygotes.

Submission:

Labcorp Genetics (formerly Invitae), Labcorp
Classification: Uncertain significance. Last evaluated: 2025-10-06. Review status: criteria provided, single submitter. Criteria: Invitae Variant Classification Sherloc (09022015). Collection method: clinical testing. Allele origin: germline.
Comment: This sequence change replaces valine, which is neutral and non-polar, with isoleucine, which is neutral and non-polar, at codon 519 of the POLE2 protein (p.Val519Ile). This variant is not present in population databases (gnomAD no frequency). This variant has not been reported in the literature in individuals affected with POLE2-related conditions. An algorithm developed to predict the effect of missense changes on protein structure and function outputs the following: PolyPhen-2: "Benign". The isoleucine amino acid residue is found in multiple mammalian species, which suggests that this missense change does not adversely affect protein function. In summary, the available evidence is currently insufficient to determine the role of this variant in disease. Therefore, it has been classified as a Variant of Uncertain Significance.